The following is an entry in ClinVar:

NM_015909.4(NBAS):c.409C>T (p.Arg137Trp)

Gene: NBAS (NBAS subunit of NRZ tethering complex; minus strand). Cytogenetic location: 2p24.3.
Variant type: single nucleotide variant.
Coding change: c.409C>T on transcript NM_015909.4 (MANE Select); coding-DNA position 409, C replaced by T.
Protein change: p.Arg137Trp; replaces arginine 137 with tryptophan.
Molecular consequence: missense variant. On other transcripts: non-coding transcript variant (1).
Genome position (GRCh38, 1-based): chr2:15,539,327, G>A on the plus strand (C>T on the coding strand, the complement: NBAS is on the minus strand). VCF-style: chr2-15539327-G-A. GRCh37 (hg19) VCF-style: chr2-15679451-G-A.
Other names: short protein forms R137W.
Identifiers: ClinVar variation 218416 (VCV000218416.14), dbSNP rs368085185, ClinGen allele CA213413.

ClinVar aggregate classification (germline): Pathogenic/Likely pathogenic. Review status: criteria provided, multiple submitters, no conflicts (2 of 4 stars). 7 submissions from 7 submitters: Pathogenic (3); Likely pathogenic (4). Last evaluated 2026-04-02.

Conditions:
NBAS-related disorder. Also called: NBAS-related condition.
Infantile liver failure syndrome 2 (ILFS2). Identifiers: MedGen C3809651, MONDO:0014659, OMIM 616483.
Acute infantile liver failure due to synthesis defect of mtDNA-encoded proteins. Also called: TRMU Deficiency; LIVER FAILURE, INFANTILE, TRANSIENT; Liver failure acute infantile. Identifiers: Orphanet 217371, MedGen C3278664, MONDO:0013111, OMIM 613070.

Allele frequency attached by ClinVar (database versions not stated): gnomAD 0.00001 and 0.00002; ExAC 0.00002; gnomAD exomes 0.00002; TOPMed 0.00002; ESP Exome Variant Server 0.00008.
gnomAD v4.1: 34 of 1,614,042 alleles (0.0021%); highest among the groups gnomAD compares: Middle Eastern, 0.049%; no homozygotes.

Submissions (7):

PreventionGenetics, part of Exact Sciences
Classification: Likely pathogenic for NBAS-related condition. Last evaluated: 2026-04-02. Review status: criteria provided, single submitter. Criteria: ACMG Guidelines, 2015. Collection method: clinical testing. Allele origin: germline.
Comment: The NBAS c.409C>T variant is predicted to result in the amino acid substitution p.Arg137Trp. This variant has been reported in multiple individuals with autosomal recessive NBAS-related disease (Garcia Segarra et al. 2015. PubMed ID: 26286438; Cardenas et al. 2017. PubMed ID: 28410752). This variant has also been reported as co-segregating with disease in the homozygous state in a family with NBAS-related disease (Capo-Chichi et al. 2015. PubMed ID: 26578240). This variant is reported in 0.0026% of alleles in individuals of European (non-Finnish) descent in gnomAD. We interpret this variant as likely pathogenic.

Labcorp Genetics (formerly Invitae), Labcorp
Classification: Likely pathogenic. Last evaluated: 2025-11-15. Review status: criteria provided, single submitter. Criteria: Invitae Variant Classification Sherloc (09022015). Collection method: clinical testing. Allele origin: germline.
Comment: This sequence change replaces arginine, which is basic and polar, with tryptophan, which is neutral and slightly polar, at codon 137 of the NBAS protein (p.Arg137Trp). This variant is present in population databases (rs368085185, gnomAD 0.004%). This missense change has been observed in individuals with clinical features of NBAS-related conditions (PMID: 26286438, 26578240, 28410752, 34906502). It has also been observed to segregate with disease in related individuals. ClinVar contains an entry for this variant (Variation ID: 218416). Invitae Evidence Modeling of protein sequence and biophysical properties (such as structural, functional, and spatial information, amino acid conservation, physicochemical variation, residue mobility, and thermodynamic stability) has been performed for this missense variant. However, the output from this modeling did not meet the statistical confidence thresholds required to predict the impact of this variant on NBAS protein function. In summary, the currently available evidence indicates that the variant is pathogenic, but additional data are needed to prove that conclusively. Therefore, this variant has been classified as Likely Pathogenic.

GeneDx
Classification: Likely pathogenic. Last evaluated: 2024-08-30. Review status: criteria provided, single submitter. Criteria: GeneDx Variant Classification Process June 2021. Collection method: clinical testing. Allele origin: germline. Affected: yes.
Comment: In silico analysis supports that this missense variant has a deleterious effect on protein structure/function; Not observed at significant frequency in large population cohorts (gnomAD); This variant is associated with the following publications: (PMID: 32146038, 26286438, 28031453, 26578240, 28410752, 33042920, 31964843, 38244286, 34906502)

Women's Health and Genetics/Laboratory Corporation of America, LabCorp
Classification: Pathogenic for Acute infantile liver failure due to synthesis defect of mtDNA-encoded proteins. Last evaluated: 2023-10-11. Review status: criteria provided, single submitter. Criteria: LabCorp Variant Classification Summary - May 2015. Collection method: clinical testing. Allele origin: germline.
Comment: Variant summary: NBAS c.409C>T (p.Arg137Trp) results in a non-conservative amino acid change located in the Neuroblastoma-amplified sequence, N-terminal domain (IPR029145) of the encoded protein sequence. Two of four in-silico tools predict a benign effect of the variant on protein function. The variant allele was found at a frequency of 1.6e-05 in 251480 control chromosomes (gnomAD). c.409C>T has been reported in the literature in multiple compound heterozygous and homozygous individuals affected with Liver Failure Acute Infantile (Segarra_2015, Staufner_2015, Cardenas_2017, Capo-Chichi_2015). These data indicate that the variant is very likely to be associated with disease. To our knowledge, no experimental evidence demonstrating an impact on protein function has been reported. The following publications have been ascertained in the context of this evaluation (PMID: 26578240, 28410752, 31964843, 28576691, 26286438, 26541327). Two submitters have cited clinical-significance assessments for this variant to ClinVar after 2014 and classified the variant as pathogenic and likely pathogenic. Based on the evidence outlined above, the variant was classified as pathogenic.

Blueprint Genetics
Classification: Pathogenic for NBAS-related disorders. Last evaluated: 2022-07-13. Review status: criteria provided, single submitter. Criteria: ACMG Guidelines, 2015. Collection method: clinical testing. Allele origin: germline. Affected: yes. Observed: 1 variant allele.

CHU Sainte-Justine Research Center, University of Montreal
Classification: Pathogenic for Infantile liver failure syndrome 2. Last evaluated: 2015-10-18. Review status: criteria provided, single submitter. Criteria: Capo-Chichi et al. (EJMG 2015). Collection method: research. Allele origin: germline. Affected: yes. Observed: 3 variant alleles, 3 homozygotes. Clinical features observed: Early onset osteoporosis, Developmental delay.

Baylor Genetics
Classification: Likely pathogenic for Infantile liver failure syndrome 2. Review status: criteria provided, single submitter. Criteria: ACMG Guidelines, 2015. Collection method: clinical testing. Allele origin: unknown.

Literature cited by the submitters: PubMed 26286438 (cited by 3 submitters); PubMed 26578240 (cited by Labcorp Genetics (formerly Invitae), Labcorp and Women's Health and Genetics/Laboratory Corporation of America, LabCorp); PubMed 28410752 (cited by Labcorp Genetics (formerly Invitae), Labcorp and Women's Health and Genetics/Laboratory Corporation of America, LabCorp); PubMed 34906502 (cited by Labcorp Genetics (formerly Invitae), Labcorp); PubMed 28576691 (cited by Women's Health and Genetics/Laboratory Corporation of America, LabCorp); PubMed 26541327 (cited by Women's Health and Genetics/Laboratory Corporation of America, LabCorp); PubMed 31964843 (cited by Women's Health and Genetics/Laboratory Corporation of America, LabCorp).